The following is an entry in ClinVar:

NM_001080449.3(DNA2):c.1943G>A (p.Gly648Asp)

Gene: DNA2 (DNA replication helicase/nuclease 2; minus strand). Cytogenetic location: 10q21.3.
Variant type: single nucleotide variant.
Coding change: c.1943G>A on transcript NM_001080449.3 (MANE Select); coding-DNA position 1943, G replaced by A.
Protein change: p.Gly648Asp; replaces glycine 648 with aspartic acid.
Molecular consequence: missense variant. On other transcripts: non-coding transcript variant (1).
Genome position (GRCh38, 1-based): chr10:68,431,902, C>T on the plus strand (G>A on the coding strand, the complement: DNA2 is on the minus strand). VCF-style: chr10-68431902-C-T. GRCh37 (hg19) VCF-style: chr10-70191659-C-T.
Other names: short protein forms G648D.
Identifiers: ClinVar variation 2635504 (VCV002635504.1), dbSNP rs2493927630, ClinGen allele CA376855369.

ClinVar aggregate classification (germline): Uncertain significance (1 of 4 stars; one submission).

Conditions:
DNA2-related disorder. Also called: DNA2-related condition.

Submission:

PreventionGenetics, part of Exact Sciences
Classification: Uncertain significance for DNA2-related condition. Last evaluated: 2022-11-02. Review status: criteria provided, single submitter. Criteria: ACMG Guidelines, 2015. Collection method: clinical testing. Allele origin: germline.
Comment: The DNA2 c.1943G>A variant is predicted to result in the amino acid substitution p.Gly648Asp. To our knowledge, this variant has not been reported in the literature or in a large population database, indicating this variant is rare. At this time, the clinical significance of this variant is uncertain due to the absence of conclusive functional and genetic evidence.